The following is an entry in ClinVar:

NM_001378454.1(ALMS1):c.7997A>C (p.Lys2666Thr)

Gene: ALMS1 (ALMS1 centrosome and basal body associated protein; plus strand). Cytogenetic location: 2p13.1.
Variant type: single nucleotide variant.
Coding change: c.7997A>C on transcript NM_001378454.1 (MANE Select); coding-DNA position 7997, A replaced by C.
Protein change: p.Lys2666Thr; replaces lysine 2666 with threonine.
Molecular consequence: missense variant.
Genome position (GRCh38, 1-based): chr2:73,489,956, A>C. VCF-style: chr2-73489956-A-C. GRCh37 (hg19) VCF-style: chr2-73717083-A-C.
Other names: c.8000A>C, p.Lys2667Thr (NM_015120.4); short protein forms K2667T, K2666T.
Identifiers: ClinVar variation 1360382 (VCV001360382.6), dbSNP rs2103890229, ClinGen allele CA347266829.

ClinVar aggregate classification (germline): Uncertain significance (1 of 4 stars; one submission).

Conditions:
Alstrom syndrome (ALMS). Identifiers: Orphanet 64, MedGen C0268425, MONDO:0008763, OMIM 203800.

Submission:

Labcorp Genetics (formerly Invitae), Labcorp
Classification: Uncertain significance for Alstrom syndrome. Last evaluated: 2022-06-13. Review status: criteria provided, single submitter. Criteria: Invitae Variant Classification Sherloc (09022015). Collection method: clinical testing. Allele origin: germline.
Comment: In summary, the available evidence is currently insufficient to determine the role of this variant in disease. Therefore, it has been classified as a Variant of Uncertain Significance. Experimental studies and prediction algorithms are not available or were not evaluated, and the functional significance of this variant is currently unknown. This variant has not been reported in the literature in individuals affected with ALMS1-related conditions. This variant is not present in population databases (gnomAD no frequency). This sequence change replaces lysine, which is basic and polar, with threonine, which is neutral and polar, at codon 2667 of the ALMS1 protein (p.Lys2667Thr).